The following is an entry in ClinVar:

NM_000038.6(APC):c.6254G>A (p.Arg2085Lys)

Gene: APC (APC regulator of Wnt signaling pathway; plus strand). Cytogenetic location: 5q22.2.
Variant type: single nucleotide variant.
Coding change: c.6254G>A on transcript NM_000038.6 (MANE Select); coding-DNA position 6254, G replaced by A.
Protein change: p.Arg2085Lys; replaces arginine 2085 with lysine.
Molecular consequence: missense variant.
Genome position (GRCh38, 1-based): chr5:112,841,848, G>A. VCF-style: chr5-112841848-G-A. GRCh37 (hg19) VCF-style: chr5-112177545-G-A.
Other names: c.6254G>A, p.Arg2085Lys (NM_001127510.3, NM_001354895.2); c.6200G>A, p.Arg2067Lys (NM_001127511.3); c.6308G>A, p.Arg2103Lys (NM_001354896.2); c.6284G>A, p.Arg2095Lys (NM_001354897.2); c.6179G>A, p.Arg2060Lys (NM_001354898.2); c.6170G>A, p.Arg2057Lys (NM_001354899.2); c.6131G>A, p.Arg2044Lys (NM_001354900.2); c.6077G>A, p.Arg2026Lys (NM_001354901.2); and 5 more; short protein forms R2067K, R2085K, R1802K, R1984K, R2026K, R2044K, R2060K, R1925K.
Identifiers: ClinVar variation 490330 (VCV000490330.16), dbSNP rs770637582, ClinGen allele CA044224.
Genomic context (GRCh38, chr5:112,841,848, plus strand): 5'-CCAGAAATATGGGTGGCATATTAGGTGAAGATCTGACACTTGATTTGAAAGATATACAGA[G>A]ACCAGATTCAGAACATGGTCTATCCCCTGATTCAGAAAATTTTGATTGGAAAGCTATTCA-3'
Protein context (NP_000029.2, residues 2075-2095): DLTLDLKDIQ[Arg2085Lys]PDSEHGLSPD

ClinVar aggregate classification (germline): Uncertain significance. Review status: criteria provided, multiple submitters, no conflicts (2 of 4 stars). 4 submissions from 4 submitters: Uncertain significance (4). Last evaluated 2025-06-26.

Conditions:
Familial adenomatous polyposis 1 (FAP1). Also called: POLYPOSIS, ADENOMATOUS INTESTINAL; FAMILIAL ADENOMATOUS POLYPOSIS 1, ATTENUATED. Identifiers: MedGen C2713442, MONDO:0021056, OMIM 175100. Disease mechanism: loss of function.
Hereditary cancer-predisposing syndrome. Also called: Hereditary Cancer Syndrome; Neoplastic Syndromes, Hereditary; Tumor predisposition; Hereditary neoplastic syndrome. Identifiers: Orphanet 140162, MedGen C0027672, MeSH D009386, MONDO:0015356.

Allele frequency attached by ClinVar (database versions not stated): TOPMed below 0.00001; gnomAD 0.00001; gnomAD exomes 0.00001; ExAC 0.00003.
gnomAD v4.1: 11 of 1,613,762 alleles (0.00068%); highest among the groups gnomAD compares: Non-Finnish European, 0.000085%; no homozygotes.

Submissions (4):

Ambry Genetics
Classification: Uncertain significance for Hereditary cancer-predisposing syndrome. Last evaluated: 2025-06-26. Review status: criteria provided, single submitter. Criteria: Ambry Variant Classification Scheme 2023. Collection method: clinical testing. Allele origin: germline.
Comment: The p.R2085K variant (also known as c.6254G>A), located in coding exon 15 of the APC gene, results from a G to A substitution at nucleotide position 6254. The arginine at codon 2085 is replaced by lysine, an amino acid with highly similar properties. This amino acid position is well conserved in available vertebrate species. In addition, in silico predictors for this gene do not accurately predict pathogenicity. Missense alterations in APC are not a common cause of disease (Spier I et al. Genet Med. 2024 Feb;26(2):100992). Based on the available evidence, the clinical significance of this variant remains unclear.

Labcorp Genetics (formerly Invitae), Labcorp
Classification: Uncertain significance for Familial adenomatous polyposis 1. Last evaluated: 2023-12-12. Review status: criteria provided, single submitter. Criteria: Invitae Variant Classification Sherloc (09022015). Collection method: clinical testing. Allele origin: germline.
Comment: This sequence change replaces arginine, which is basic and polar, with lysine, which is basic and polar, at codon 2085 of the APC protein (p.Arg2085Lys). This variant is present in population databases (rs770637582, gnomAD 0.004%). This variant has not been reported in the literature in individuals affected with APC-related conditions. ClinVar contains an entry for this variant (Variation ID: 490330). Advanced modeling of protein sequence and biophysical properties (such as structural, functional, and spatial information, amino acid conservation, physicochemical variation, residue mobility, and thermodynamic stability) performed at Invitae indicates that this missense variant is not expected to disrupt APC protein function with a negative predictive value of 95%. In summary, the available evidence is currently insufficient to determine the role of this variant in disease. Therefore, it has been classified as a Variant of Uncertain Significance.

Baylor Genetics
Classification: Uncertain significance for Familial adenomatous polyposis 1. Last evaluated: 2023-11-21. Review status: criteria provided, single submitter. Criteria: ACMG Guidelines, 2015. Collection method: clinical testing. Allele origin: unknown.

Color Diagnostics, LLC DBA Color Health
Classification: Uncertain significance for Hereditary cancer-predisposing syndrome. Last evaluated: 2019-11-21. Review status: criteria provided, single submitter. Criteria: ACMG Guidelines, 2015. Collection method: clinical testing. Allele origin: germline.
Comment: This missense variant replaces arginine with lysine at codon 2085 of the APC protein. Computational prediction suggests that this variant may not impact protein structure and function (internally defined REVEL score threshold <= 0.5, PMID: 27666373). Splice site prediction tools suggest that this variant may not impact RNA splicing. To our knowledge, functional studies have not been performed for this variant. This variant has not been reported in individuals affected with hereditary cancer in the literature. This variant has been identified in 2/250580 chromosomes in the general population by the Genome Aggregation Database (gnomAD). The available evidence is insufficient to determine the role of this variant in disease conclusively. Therefore, this variant is classified as a Variant of Uncertain Significance.